The following is an entry in ClinVar:

NM_022110.4(FKBPL):c.83A>G (p.Asn28Ser)

Gene: FKBPL (FKBP prolyl isomerase like; minus strand). Cytogenetic location: 6p21.32.
Variant type: single nucleotide variant.
Coding change: c.83A>G on transcript NM_022110.4 (MANE Select); coding-DNA position 83, A replaced by G.
Protein change: p.Asn28Ser; replaces asparagine 28 with serine.
Molecular consequence: missense variant.
Genome position (GRCh38, 1-based): chr6:32,129,698, T>C on the plus strand (A>G on the coding strand, the complement: FKBPL is on the minus strand). VCF-style: chr6-32129698-T-C. GRCh37 (hg19) VCF-style: chr6-32097475-T-C.
Other names: short protein forms N28S.
Identifiers: ClinVar variation 3056060 (VCV003056060.2), dbSNP rs117160266, ClinGen allele CA3736696.

ClinVar aggregate classification (germline): Benign (0 of 4 stars; one submission).

Conditions:
FKBPL-related disorder. Also called: FKBPL-related condition.

Allele frequency attached by ClinVar (database versions not stated): ESP Exome Variant Server 0.00338; gnomAD exomes 0.00431; gnomAD 0.00448; TOPMed 0.00482; ExAC 0.00630; 1000 Genomes Project 0.01058; 1000 Genomes Project 30x 0.01077.
gnomAD v4.1: 6,999 of 1,614,110 alleles (0.43%); highest among the groups gnomAD compares: East Asian, 1.5%; 38 homozygotes.

Submission:

PreventionGenetics, part of Exact Sciences
Classification: Benign for FKBPL-related condition. Last evaluated: 2019-05-13. Review status: no assertion criteria provided. Collection method: clinical testing. Allele origin: germline.
Comment: This variant is classified as benign based on ACMG/AMP sequence variant interpretation guidelines (Richards et al. 2015 PMID: 25741868, with internal and published modifications).